The following is an entry in ClinVar:

ClinVar aggregate classification (germline): Uncertain significance (1 of 4 stars; one submission).

Submission:

Labcorp Genetics (formerly Invitae), Labcorp
Classification: Uncertain significance. Last evaluated: 2024-01-18. Review status: criteria provided, single submitter. Criteria: Invitae Variant Classification Sherloc (09022015). Collection method: clinical testing. Allele origin: germline.
Comment: This sequence change replaces glycine, which is neutral and non-polar, with aspartic acid, which is acidic and polar, at codon 1099 of the KMT2B protein (p.Gly1099Asp). This variant is not present in population databases (gnomAD no frequency). This variant has not been reported in the literature in individuals affected with KMT2B-related conditions. Advanced modeling of protein sequence and biophysical properties (such as structural, functional, and spatial information, amino acid conservation, physicochemical variation, residue mobility, and thermodynamic stability) has been performed at Invitae for this missense variant, however the output from this modeling did not meet the statistical confidence thresholds required to predict the impact of this variant on KMT2B protein function. In summary, the available evidence is currently insufficient to determine the role of this variant in disease. Therefore, it has been classified as a Variant of Uncertain Significance.

NM_014727.3(KMT2B):c.3296G>A (p.Gly1099Asp)

Gene: KMT2B (lysine methyltransferase 2B; plus strand). Cytogenetic location: 19q13.12.
Variant type: single nucleotide variant.
Coding change: c.3296G>A on transcript NM_014727.3 (MANE Select); coding-DNA position 3296, G replaced by A.
Protein change: p.Gly1099Asp; replaces glycine 1099 with aspartic acid.
Molecular consequence: missense variant.
Genome position (GRCh38, 1-based): chr19:35,723,969, G>A. VCF-style: chr19-35723969-G-A. GRCh37 (hg19) VCF-style: chr19-36214870-G-A.
Other names: short protein forms G1099D.
Identifiers: ClinVar variation 2714439 (VCV002714439.3), dbSNP rs200663900, ClinGen allele CA405405423.